The following is an entry in ClinVar:

ClinVar aggregate classification (germline): Uncertain significance. Review status: criteria provided, multiple submitters, no conflicts (2 of 4 stars). 2 submissions from 2 submitters: Uncertain significance (2). Last evaluated 2025-08-10.

Conditions:
Kabuki syndrome 1 (KABUK1). Also called: KMT2D-Related Kabuki Syndrome. Identifiers: Orphanet 2322, MedGen CN030661, MONDO:0007843, OMIM 147920.
Choanal atresia-athelia-hypothyroidism-delayed puberty-short stature syndrome (BCAHH). Also called: BRANCHIAL ARCH ABNORMALITIES, CHOANAL ATRESIA, ATHELIA, HEARING LOSS, AND HYPOTHYROIDISM SYNDROME. Identifiers: Orphanet 589856, MedGen C5680310, MONDO:0035651, OMIM 620186.
Kabuki syndrome. Also called: Kabuki make-up syndrome; NIIKAWA-KUROKI SYNDROME. Identifiers: Orphanet 2322, MedGen C0796004, MONDO:0016512.

Submissions (2):

Labcorp Genetics (formerly Invitae), Labcorp
Classification: Uncertain significance for Kabuki syndrome. Last evaluated: 2025-08-10. Review status: criteria provided, single submitter. Criteria: Invitae Variant Classification Sherloc (09022015). Collection method: clinical testing. Allele origin: germline.
Comment: This sequence change falls in intron 26 of the KMT2D gene. It does not directly change the encoded amino acid sequence of the KMT2D protein. It affects a nucleotide within the consensus splice site. This variant is not present in population databases (gnomAD no frequency). This variant has not been reported in the literature in individuals affected with KMT2D-related conditions. ClinVar contains an entry for this variant (Variation ID: 1514533). Variants that disrupt the consensus splice site are a relatively common cause of aberrant splicing (PMID: 17576681, 9536098). Algorithms developed to predict the effect of sequence changes on RNA splicing suggest that this variant is not likely to affect RNA splicing. In summary, the available evidence is currently insufficient to determine the role of this variant in disease. Therefore, it has been classified as a Variant of Uncertain Significance.

Fulgent Genetics
Classification: Uncertain significance for Kabuki syndrome 1; Choanal atresia-athelia-hypothyroidism-delayed puberty-short stature syndrome. Last evaluated: 2024-03-23. Review status: criteria provided, single submitter. Criteria: ACMG Guidelines, 2015. Collection method: clinical testing. Allele origin: germline.

Literature cited by the submitters: PubMed 17576681 (cited by Labcorp Genetics (formerly Invitae), Labcorp); PubMed 9536098 (cited by Labcorp Genetics (formerly Invitae), Labcorp).

NM_003482.4(KMT2D):c.5782+4_5782+6del

Gene: KMT2D (lysine methyltransferase 2D; minus strand). Cytogenetic location: 12q13.12.
Variant type: Deletion.
Coding change: c.5782+4_5782+6del on transcript NM_003482.4 (MANE Select); bases 4 to 6 of the intron after coding-DNA position 5782, 3 bases deleted (ATA; older notation c.5782+4_5782+6delATA).
Molecular consequence: splice donor variant.
Genome position (GRCh38, 1-based): chr12:49,042,735-49,042,737, TAT deleted on the plus strand (ATA on the coding strand, the reverse complement: KMT2D is on the minus strand); deleting any 3 consecutive bases within chr12:49,042,735-49,042,739 gives the same sequence; the c. name uses the placement nearest the transcript's 3' end. VCF-style (leftmost placement, unchanged base first): chr12-49042734-GTAT-G. GRCh37 (hg19) VCF-style: chr12-49436517-GTAT-G.
Identifiers: ClinVar variation 1514533 (VCV001514533.7), dbSNP rs1433419829, ClinGen allele CA689532924.